The following is an entry in ClinVar:

NM_022124.6(CDH23):c.3179G>A (p.Arg1060Gln)

Gene: CDH23 (cadherin related 23; plus strand). Cytogenetic location: 10q22.1.
Variant type: single nucleotide variant.
Coding change: c.3179G>A on transcript NM_022124.6 (MANE Select); coding-DNA position 3179, G replaced by A.
Protein change: p.Arg1060Gln; replaces arginine 1060 with glutamine.
Molecular consequence: missense variant.
Genome position (GRCh38, 1-based): chr10:71,709,170, G>A. VCF-style: chr10-71709170-G-A. GRCh37 (hg19) VCF-style: chr10-73468927-G-A.
Other names: c.3179G>A, p.Arg1060Gln (NM_001171930.2); short protein forms R1060Q.
Identifiers: ClinVar variation 1254478 (VCV001254478.10), dbSNP rs536438868, ClinGen allele CA5544503.

ClinVar aggregate classification (germline): Uncertain significance. Review status: criteria provided, multiple submitters, no conflicts (2 of 4 stars). 7 submissions from 7 submitters: Uncertain significance (4). 3 of the submissions do not count toward it. Last evaluated 2026-01-10.

Conditions:
Usher syndrome type 1 (USH1). Also called: RETINITIS PIGMENTOSA AND CONGENITAL DEAFNESS. Identifiers: Orphanet 231169, Orphanet 886, MedGen C1568247, MONDO:0010168, OMIM 276900.
CDH23-related disorder. Also called: CDH23-related condition; CDH23-related disorders.

Allele frequency attached by ClinVar (database versions not stated): 1000 Genomes Project 30x 0.00016; 1000 Genomes Project 0.00020.
gnomAD v4.1: 45 of 1,613,968 alleles (0.0028%); highest among the groups gnomAD compares: East Asian, 0.02%; no homozygotes.

Submissions (7):

PreventionGenetics, part of Exact Sciences
Classification: Uncertain significance for CDH23-related condition. Last evaluated: 2026-01-10. Review status: criteria provided, single submitter. Criteria: ACMG Guidelines, 2015. Collection method: clinical testing. Allele origin: germline.
Comment: The CDH23 c.3179G>A variant is predicted to result in the amino acid substitution p.Arg1060Gln. This variant was reported in a cohort study of individuals with retinal or optic nerve disease, although pathogenicity was not established (Diñeiro et al. 2020. PubMed ID: 32483926). This variant is reported in 0.036% of alleles in individuals of East Asian descent in gnomAD. At this time, the clinical significance of this variant is uncertain due to the absence of conclusive functional and genetic evidence.

Labcorp Genetics (formerly Invitae), Labcorp
Classification: Uncertain significance. Last evaluated: 2022-02-25. Review status: criteria provided, single submitter. Criteria: Invitae Variant Classification Sherloc (09022015). Collection method: clinical testing. Allele origin: germline.
Comment: This sequence change replaces arginine, which is basic and polar, with glutamine, which is neutral and polar, at codon 1060 of the CDH23 protein (p.Arg1060Gln). This variant is present in population databases (rs536438868, gnomAD 0.04%). This variant has not been reported in the literature in individuals affected with CDH23-related conditions. ClinVar contains an entry for this variant (Variation ID: 1254478). Algorithms developed to predict the effect of missense changes on protein structure and function are either unavailable or do not agree on the potential impact of this missense change (SIFT: "Deleterious"; PolyPhen-2: "Not Available"; Align-GVGD: "Class C35"). Algorithms developed to predict the effect of sequence changes on RNA splicing suggest that this variant may create or strengthen a splice site. In summary, the available evidence is currently insufficient to determine the role of this variant in disease. Therefore, it has been classified as a Variant of Uncertain Significance.

GeneDx
Classification: Uncertain significance. Last evaluated: 2021-08-13. Review status: criteria provided, single submitter. Criteria: GeneDx Variant Classification Process June 2021. Collection method: clinical testing. Allele origin: germline. Affected: yes.
Comment: In silico analysis supports that this missense variant does not alter protein structure/function; Has not been previously reported as pathogenic or benign in association with hearing loss to our knowledge; This variant is associated with the following publications: (PMID: 28265457)

Blueprint Genetics
Classification: Uncertain significance. Last evaluated: 2021-05-06. Review status: criteria provided, single submitter. Criteria: ACMG Guidelines, 2015. Collection method: clinical testing. Allele origin: germline.

Natera, Inc.
Classification: Uncertain significance for Usher syndrome type 1. Last evaluated: 2020-02-18. Review status: no assertion criteria provided. Collection method: clinical testing. Allele origin: germline. Not counted in ClinVar's aggregate classification.

Clinical Genetics DNA and cytogenetics Diagnostics Lab, Erasmus MC, Erasmus Medical Center
Classification: Uncertain significance. Review status: no assertion criteria provided. Collection method: clinical testing. Allele origin: germline. Affected: yes. Study: VKGL Data-share Consensus. Not counted in ClinVar's aggregate classification.

Clinical Genetics, Academic Medical Center
Classification: Uncertain significance. Review status: no assertion criteria provided. Collection method: clinical testing. Allele origin: germline. Affected: yes. Study: VKGL Data-share Consensus. Not counted in ClinVar's aggregate classification.